The following is an entry in ClinVar:

ClinVar aggregate classification (germline): Uncertain significance. Review status: criteria provided, multiple submitters, no conflicts (2 of 4 stars). 2 submissions from 2 submitters: Uncertain significance (2). Last evaluated 2026-01-11.

Conditions:
SPTBN1-related disorder. Also called: SPTBN1-related condition.

gnomAD v4.1: 3 of 1,614,084 alleles (0.00019%); highest among the groups gnomAD compares: East Asian, 0.0022%; no homozygotes.

Submissions (2):

PreventionGenetics, part of Exact Sciences
Classification: Uncertain significance for SPTBN1-related condition. Last evaluated: 2026-01-11. Review status: criteria provided, single submitter. Criteria: ACMG Guidelines, 2015. Collection method: clinical testing. Allele origin: germline.
Comment: The SPTBN1 c.995A>T variant is predicted to result in the amino acid substitution p.Asn332Ile. To our knowledge, this variant has not been reported in the literature or in a large population database (gnomAD), indicating this variant is rare. At this time, the clinical significance of this variant is uncertain due to the absence of conclusive functional and genetic evidence.

GeneDx
Classification: Uncertain significance. Last evaluated: 2024-02-18. Review status: criteria provided, single submitter. Criteria: GeneDx Variant Classification Process June 2021. Collection method: clinical testing. Allele origin: germline. Affected: yes.
Comment: Not observed at significant frequency in large population cohorts (gnomAD); In silico analysis supports that this missense variant has a deleterious effect on protein structure/function; Has not been previously published as pathogenic or benign to our knowledge

NM_003128.3(SPTBN1):c.995A>T (p.Asn332Ile)

Gene: SPTBN1 (spectrin beta, non-erythrocytic 1; plus strand). Cytogenetic location: 2p16.2.
Variant type: single nucleotide variant.
Coding change: c.995A>T on transcript NM_003128.3 (MANE Select); coding-DNA position 995, A replaced by T.
Protein change: p.Asn332Ile; replaces asparagine 332 with isoleucine.
Molecular consequence: missense variant.
Genome position (GRCh38, 1-based): chr2:54,622,418, A>T. VCF-style: chr2-54622418-A-T. GRCh37 (hg19) VCF-style: chr2-54849555-A-T.
Other names: c.956A>T, p.Asn319Ile (NM_178313.3); short protein forms N319I, N332I.
Identifiers: ClinVar variation 3369423 (VCV003369423.2).
Genomic context (GRCh38, chr2:54,622,418, plus strand): 5'-CTGACCTTCTGGAATGGATTGAACAAACCATCATCATTCTGAACAATCGCAAATTTGCCA[A>T]TTCACTGGTCGGGGTTCAACAGCAGCTTCAGGCATTCAACACTTACCGCACTGTGGAGAA-3'
Protein context (NP_003119.2, residues 322-342): IIILNNRKFA[Asn332Ile]SLVGVQQQLQ